The following is an entry in ClinVar:

NM_017763.6(RNF43):c.1808C>T (p.Ser603Leu)

Gene: RNF43 (ring finger protein 43; minus strand). Cytogenetic location: 17q22.
Variant type: single nucleotide variant.
Coding change: c.1808C>T on transcript NM_017763.6 (MANE Select); coding-DNA position 1808, C replaced by T.
Protein change: p.Ser603Leu; replaces serine 603 with leucine.
Molecular consequence: missense variant.
Genome position (GRCh38, 1-based): chr17:58,357,968, G>A on the plus strand (C>T on the coding strand, the complement: RNF43 is on the minus strand). VCF-style: chr17-58357968-G-A. GRCh37 (hg19) VCF-style: chr17-56435329-G-A.
Other names: c.1808C>T, p.Ser603Leu (NM_001305544.3, NM_001438820.1, NM_001438821.1 and 1 more transcripts); c.1427C>T, p.Ser476Leu (NM_001305545.2, NM_001437987.1); short protein forms S603L, S476L.
Identifiers: ClinVar variation 4155811 (VCV004155811.1).

ClinVar aggregate classification (germline): Uncertain significance (1 of 4 stars; one submission).

Submission:

Ambry Genetics
Classification: Uncertain significance. Last evaluated: 2025-09-04. Review status: criteria provided, single submitter. Criteria: Ambry Variant Classification Scheme 2023. Collection method: clinical testing. Allele origin: germline.
Comment: The p.S603L variant (also known as c.1808C>T), located in coding exon 8 of the RNF43 gene, results from a C to T substitution at nucleotide position 1808. The serine at codon 603 is replaced by leucine, an amino acid with dissimilar properties. This amino acid position is conserved. In addition, this alteration is predicted to be tolerated by in silico analysis. Based on the available evidence, the clinical significance of this variant remains unclear.